The following is an entry in ClinVar:

NM_014239.4(EIF2B2):c.967C>T (p.Leu323Phe)

Gene: EIF2B2 (eukaryotic translation initiation factor 2B subunit beta; plus strand). Cytogenetic location: 14q24.3.
Variant type: single nucleotide variant.
Coding change: c.967C>T on transcript NM_014239.4 (MANE Select); coding-DNA position 967, C replaced by T.
Protein change: p.Leu323Phe; replaces leucine 323 with phenylalanine.
Molecular consequence: missense variant.
Genome position (GRCh38, 1-based): chr14:75,009,099, C>T. VCF-style: chr14-75009099-C-T. GRCh37 (hg19) VCF-style: chr14-75475802-C-T.
Other names: short protein forms L323F.
Identifiers: ClinVar variation 1714681 (VCV001714681.3), dbSNP rs1889667994, ClinGen allele CA390430545.

ClinVar aggregate classification (germline): Uncertain significance (1 of 4 stars; one submission).

Submission:

Labcorp Genetics (formerly Invitae), Labcorp
Classification: Uncertain significance. Last evaluated: 2022-08-01. Review status: criteria provided, single submitter. Criteria: Invitae Variant Classification Sherloc (09022015). Collection method: clinical testing. Allele origin: germline.
Comment: This sequence change replaces leucine, which is neutral and non-polar, with phenylalanine, which is neutral and non-polar, at codon 323 of the EIF2B2 protein (p.Leu323Phe). This variant is not present in population databases (gnomAD no frequency). This variant has not been reported in the literature in individuals affected with EIF2B2-related conditions. Algorithms developed to predict the effect of missense changes on protein structure and function are either unavailable or do not agree on the potential impact of this missense change (SIFT: "Deleterious"; PolyPhen-2: "Probably Damaging"; Align-GVGD: "Class C0"). In summary, the available evidence is currently insufficient to determine the role of this variant in disease. Therefore, it has been classified as a Variant of Uncertain Significance.